The following is an entry in ClinVar:

ClinVar aggregate classification (germline): Uncertain significance (1 of 4 stars; one submission).

Conditions:
Cohen syndrome (COH1). Also called: Cutis verticis gyrata, retinitis pigmentosa, and sensorineural deafness; PEPPER SYNDROME. Identifiers: Orphanet 193, MedGen C0265223, MONDO:0008999, OMIM 216550.

gnomAD v4.1: 7 of 1,614,116 alleles (0.00043%); highest among the groups gnomAD compares: Non-Finnish European, 0.00059%; no homozygotes.

Submission:

Labcorp Genetics (formerly Invitae), Labcorp
Classification: Uncertain significance for Cohen syndrome. Last evaluated: 2022-02-25. Review status: criteria provided, single submitter. Criteria: Invitae Variant Classification Sherloc (09022015). Collection method: clinical testing. Allele origin: germline.
Comment: This sequence change replaces serine, which is neutral and polar, with arginine, which is basic and polar, at codon 716 of the VPS13B protein (p.Ser716Arg). This variant is not present in population databases (gnomAD no frequency). This variant has not been reported in the literature in individuals affected with VPS13B-related conditions. Algorithms developed to predict the effect of missense changes on protein structure and function are either unavailable or do not agree on the potential impact of this missense change (SIFT: "Not Available"; PolyPhen-2: "Probably Damaging"; Align-GVGD: "Not Available"). In summary, the available evidence is currently insufficient to determine the role of this variant in disease. Therefore, it has been classified as a Variant of Uncertain Significance.

NM_152564.5(VPS13B):c.2146A>C (p.Ser716Arg)

Gene: VPS13B (vacuolar protein sorting 13 homolog B; plus strand). Cytogenetic location: 8q22.2.
Variant type: single nucleotide variant.
Coding change: c.2146A>C on transcript NM_152564.5 (MANE Select); coding-DNA position 2146, A replaced by C.
Protein change: p.Ser716Arg; replaces serine 716 with arginine.
Molecular consequence: missense variant.
Genome position (GRCh38, 1-based): chr8:99,156,681, A>C. VCF-style: chr8-99156681-A-C. GRCh37 (hg19) VCF-style: chr8-100168909-A-C.
Other names: c.2146A>C, p.Ser716Arg (NM_015243.3, NM_017890.5); short protein forms S716R.
Identifiers: ClinVar variation 2103419 (VCV002103419.1), dbSNP rs2488834294, ClinGen allele CA371865127.
Genomic context (GRCh38, chr8:99,156,681, plus strand): 5'-GATAAAATTAATCTGGAACATTCAGTGCCAATGTATGCTGAACAGTTGGTGCATGTGGTC[A>C]GCAGCCTTACTCAACCTTCTGATAACCTGCTTCATTATTGTTATGTACACTGCTATCTTA-3'
Protein context (NP_689777.3, residues 706-726): MYAEQLVHVV[Ser716Arg]SLTQPSDNLL